The following is an entry in ClinVar:

ClinVar aggregate classification (germline): Likely pathogenic (1 of 4 stars; one submission).

Conditions:
Cystic fibrosis (CF). Also called: MUCOVISCIDOSIS. Identifiers: Orphanet 586, MedGen C0010674, MONDO:0009061, OMIM 219700. Disease mechanism: loss of function.

Submission:

Institute of Human Genetics, University of Leipzig Medical Center
Classification: Likely pathogenic for Cystic fibrosis. Last evaluated: 2022-10-28. Review status: criteria provided, single submitter. Criteria: ACMG Guidelines, 2015. Collection method: clinical testing. Allele origin: inherited. Affected: yes.
Comment: This variant is also described as CFTRdup19 and describes a duplication of exon 22 (legacy exon 19) in CFTR. It was identified in our lab in two unrelated individuals with cystic fibrosis and a pathogenic variant confirmed in-trans. Sweat chloride tests were indicative of CF. It is decribed in the literature in at least one individual with a pathogenic variant in-trans (G551D). Analysis revealed exact breakpoints and a duplication in-tandem. Criteria applied: PM2_SUP, PM3_STR, PM4, PP4

NM_000492.4(CFTR):c.3469-52_3717+5032dup

Genes: CFTR (CF transmembrane conductance regulator; plus strand), CFTR-AS2 (CFTR antisense RNA 2; minus strand). Cytogenetic location: 7q31.2.
Variant type: Duplication.
Coding change: c.3469-52_3717+5032dup on transcript NM_000492.4 (MANE Select); 52 bases into the intron before coding-DNA position 3469 through 5032 bases into the intron after coding-DNA position 3717, 5,333 bases duplicated.
Molecular consequence: splice acceptor variant, splice donor variant.
Genome position (GRCh38, 1-based): chr7:117,627,470-117,632,802, 5,333 bases duplicated. GRCh37 (hg19): chr7:117,267,524-117,272,856.
Other names: CFTRdup19.
Identifiers: ClinVar variation 1804133 (VCV001804133.1).